The following is an entry in ClinVar:

NM_016169.4(SUFU):c.663G>T (p.Glu221Asp)

Gene: SUFU (SUFU negative regulator of hedgehog signaling; plus strand). Cytogenetic location: 10q24.32.
Variant type: single nucleotide variant.
Coding change: c.663G>T on transcript NM_016169.4 (MANE Select); coding-DNA position 663, G replaced by T.
Protein change: p.Glu221Asp; replaces glutamic acid 221 with aspartic acid.
Molecular consequence: missense variant.
Genome position (GRCh38, 1-based): chr10:102,593,701, G>T. VCF-style: chr10-102593701-G-T. GRCh37 (hg19) VCF-style: chr10-104353458-G-T.
Other names: c.663G>T, p.Glu221Asp (NM_001178133.2); short protein forms E221D.
Identifiers: ClinVar variation 2948193 (VCV002948193.4), dbSNP rs759900608, ClinGen allele CA5667736.

ClinVar aggregate classification (germline): Uncertain significance. Review status: criteria provided, multiple submitters, no conflicts (2 of 4 stars). 2 submissions from 2 submitters: Uncertain significance (2). Last evaluated 2025-04-04.

Conditions:
Hereditary cancer-predisposing syndrome. Also called: Hereditary neoplastic syndrome; Neoplastic Syndromes, Hereditary; Tumor predisposition; Hereditary Cancer Syndrome. Identifiers: Orphanet 140162, MedGen C0027672, MeSH D009386, MONDO:0015356.
Gorlin syndrome. Also called: Nevoid Basal Cell Carcinoma Syndrome; Basal cell nevus syndrome. Identifiers: Orphanet 377, MedGen C0004779, MONDO:0007187.
Medulloblastoma (MDB). Also called: MEDULLOBLASTOMA PREDISPOSITION SYNDROME; Medulloblastoma, somatic. Identifiers: Orphanet 616, MedGen C0025149, MeSH D008527, MONDO:0007959, OMIM 155255, HP:0002885.

Allele frequency attached by ClinVar (database versions not stated): ExAC 0.00001; gnomAD 0.00001; TOPMed 0.00003.
gnomAD v4.1: 2 of 1,614,102 alleles (0.00012%); highest among the groups gnomAD compares: African/African-American, 0.0027%; no homozygotes.

Submissions (2):

Ambry Genetics
Classification: Uncertain significance for Hereditary cancer-predisposing syndrome. Last evaluated: 2025-04-04. Review status: criteria provided, single submitter. Criteria: Ambry Variant Classification Scheme 2023. Collection method: clinical testing. Allele origin: germline.
Comment: The p.E221D variant (also known as c.663G>T), located in coding exon 5 of the SUFU gene, results from a G to T substitution at nucleotide position 663. The glutamic acid at codon 221 is replaced by aspartic acid, an amino acid with highly similar properties. This amino acid position is conserved. In addition, this alteration is predicted to be tolerated by in silico analysis. Based on the available evidence, the clinical significance of this variant remains unclear.

Labcorp Genetics (formerly Invitae), Labcorp
Classification: Uncertain significance for Gorlin syndrome; Medulloblastoma. Last evaluated: 2023-06-29. Review status: criteria provided, single submitter. Criteria: Invitae Variant Classification Sherloc (09022015). Collection method: clinical testing. Allele origin: germline.
Comment: In summary, the available evidence is currently insufficient to determine the role of this variant in disease. Therefore, it has been classified as a Variant of Uncertain Significance. This sequence change replaces glutamic acid, which is acidic and polar, with aspartic acid, which is acidic and polar, at codon 221 of the SUFU protein (p.Glu221Asp). This variant is present in population databases (rs759900608, gnomAD 0.007%). This variant has not been reported in the literature in individuals affected with SUFU-related conditions. Advanced modeling of protein sequence and biophysical properties (such as structural, functional, and spatial information, amino acid conservation, physicochemical variation, residue mobility, and thermodynamic stability) performed at Invitae indicates that this missense variant is not expected to disrupt SUFU protein function.